The following is an entry in ClinVar:

ClinVar aggregate classification (germline): Uncertain significance (1 of 4 stars; one submission).

Submission:

GeneDx
Classification: Uncertain significance. Last evaluated: 2026-07-23. Review status: criteria provided, single submitter. Criteria: GeneDx Variant Classification Process June 2021. Collection method: clinical testing. Allele origin: germline.
Comment: Not observed at significant frequency in large population cohorts (gnomAD); Has not been previously published as pathogenic or benign to our knowledge; Frameshift variant predicted to result in abnormal protein length as the last 38 amino acid(s) are replaced with 17 different amino acid(s) with an unclear effect on protein function

NM_032482.3(DOT1L):c.4499del (p.Ser1500fs)

Gene: DOT1L (DOT1 like histone lysine methyltransferase; plus strand). Cytogenetic location: 19p13.3.
Variant type: Deletion.
Coding change: c.4499del on transcript NM_032482.3 (MANE Select); coding-DNA position 4499, one base deleted (C; older notation c.4499delC).
Protein change: p.Ser1500fs; shifts the reading frame from serine 1500.
Molecular consequence: frameshift variant.
Genome position (GRCh38, 1-based): chr19:2,227,020, C deleted. VCF-style (leftmost placement, unchanged base first): chr19-2227019-TC-T. GRCh37 (hg19) VCF-style: chr19-2227018-TC-T.
Other names: c.4499del, p.Ser1500fs (NM_001411141.1); short protein forms S1500fs.
Identifiers: ClinVar variation 3573617 (VCV003573617.2).
Genomic context (GRCh38, chr19:2,227,019, plus strand): 5'-TCCCTGCAGGCCAACCTCGGCTCCGTGGCCGGCTCCTCCGTGCTGCAGTCGCTGTTCAGC[TC>T]TGTGCCGGCCGCCGCAGGCCTGGTGCACGTGTCGTCCGCTGCCACCAGACTGACCAACTC-3'